The following is an entry in ClinVar:

NM_201599.3(ZMYM3):c.1664A>G (p.Asp555Gly)

Gene: ZMYM3 (zinc finger MYM-type containing 3; minus strand). Cytogenetic location: Xq13.1.
Variant type: single nucleotide variant.
Coding change: c.1664A>G on transcript NM_201599.3 (MANE Select); coding-DNA position 1664, A replaced by G.
Protein change: p.Asp555Gly; replaces aspartic acid 555 with glycine.
Molecular consequence: missense variant.
Genome position (GRCh38, 1-based): chrX:71,248,759, T>C on the plus strand (A>G on the coding strand, the complement: ZMYM3 is on the minus strand). VCF-style: chrX-71248759-T-C. GRCh37 (hg19) VCF-style: chrX-70468609-T-C.
Other names: c.1664A>G, p.Asp555Gly (NM_001171162.1, NM_005096.3); short protein forms D555G.
Identifiers: ClinVar variation 3373507 (VCV003373507.1).

ClinVar aggregate classification (germline): Uncertain significance (1 of 4 stars; one submission).

Submission:

GeneDx
Classification: Uncertain significance. Last evaluated: 2024-02-28. Review status: criteria provided, single submitter. Criteria: GeneDx Variant Classification Process June 2021. Collection method: clinical testing. Allele origin: germline. Affected: yes.
Comment: In silico analysis supports that this missense variant does not alter protein structure/function; Has not been previously published as pathogenic or benign to our knowledge